The following is an entry in ClinVar:

NM_001276345.2(TNNT2):c.53-47C>G

Gene: TNNT2 (troponin T2, cardiac type; minus strand). Cytogenetic location: 1q32.1.
Variant type: single nucleotide variant.
Coding change: c.53-47C>G on transcript NM_001276345.2 (MANE Select); 47 bases into the intron before coding-DNA position 53, C replaced by G.
Molecular consequence: intron variant.
Genome position (GRCh38, 1-based): chr1:201,372,088, G>C on the plus strand (C>G on the coding strand, the complement: TNNT2 is on the minus strand). VCF-style: chr1-201372088-G-C. GRCh37 (hg19) VCF-style: chr1-201341216-G-C.
Other names: c.53-47C>G (NM_001001430.3, NM_001276346.2, NM_000364.4 and 3 more transcripts); c.52+57C>G (NM_001001432.3).
Identifiers: ClinVar variation 1215650 (VCV001215650.32), dbSNP rs45553832, ClinGen allele CA077316.

ClinVar aggregate classification (germline): Benign/Likely benign. Review status: criteria provided, multiple submitters, no conflicts (2 of 4 stars). 6 submissions from 4 submitters: Benign (5); Likely benign (1). Last evaluated 2025-04-09.

Conditions:
Dilated cardiomyopathy 1D. Identifiers: Orphanet 154, Orphanet 54260, MedGen C1832243, MONDO:0011095, OMIM 601494.
Cardiomyopathy, familial restrictive, 3. Identifiers: Orphanet 75249, MedGen C2676271, MONDO:0012900, OMIM 612422.
Hypertrophic cardiomyopathy 2. Also called: TNNT2-Related Familial Hypertrophic Cardiomyopathy. Identifiers: MedGen C1861864, MONDO:0007266, OMIM 115195.

Allele frequency attached by ClinVar (database versions not stated): ExAC 0.00114; gnomAD exomes 0.00115; ESP Exome Variant Server 0.00315; 1000 Genomes Project 0.00319; gnomAD 0.00320 and 0.00345; 1000 Genomes Project 30x 0.00328; TOPMed 0.00367.
gnomAD v4.1: 1,233 of 1,614,076 alleles (0.076%); highest among the groups gnomAD compares: African/African-American, 0.96%; 11 homozygotes.

Submissions (6):

Molecular Diagnostic Laboratory for Inherited Cardiovascular Disease, Montreal Heart Institute
Classification: Benign. Last evaluated: 2025-04-09. Review status: criteria provided, single submitter. Criteria: ACMG Guidelines, 2015. Collection method: clinical testing. Allele origin: germline. Affected: no.

CeGaT Center for Human Genetics Tuebingen
Classification: Benign. Last evaluated: 2023-06-01. Review status: criteria provided, single submitter. Criteria: CeGaT Center For Human Genetics Tuebingen Variant Classification Criteria Version 2. Collection method: clinical testing. Allele origin: germline. Affected: yes. Observed: 3 variant alleles.
Comment: TNNT2: BS1, BS2

Genome-Nilou Lab
Classification: Benign for Dilated cardiomyopathy 1D. Last evaluated: 2023-04-11. Review status: criteria provided, single submitter. Criteria: ACMG Guidelines, 2015. Collection method: clinical testing. Allele origin: germline. Affected: no.

Genome-Nilou Lab
Classification: Benign for Cardiomyopathy, familial restrictive, 3. Last evaluated: 2023-04-11. Review status: criteria provided, single submitter. Criteria: ACMG Guidelines, 2015. Collection method: clinical testing. Allele origin: germline. Affected: no.

Genome-Nilou Lab
Classification: Benign for Hypertrophic cardiomyopathy 2. Last evaluated: 2023-04-11. Review status: criteria provided, single submitter. Criteria: ACMG Guidelines, 2015. Collection method: clinical testing. Allele origin: germline. Affected: no.

GeneDx
Classification: Likely benign. Last evaluated: 2019-12-18. Review status: criteria provided, single submitter. Criteria: GeneDx Variant Classification Process June 2021. Collection method: clinical testing. Allele origin: germline. Affected: yes.